The following is an entry in ClinVar:

NM_000548.5(TSC2):c.2870T>C (p.Leu957Ser)

Gene: TSC2 (TSC complex subunit 2; plus strand). Cytogenetic location: 16p13.3.
Variant type: single nucleotide variant.
Coding change: c.2870T>C on transcript NM_000548.5 (MANE Select); coding-DNA position 2870, T replaced by C.
Protein change: p.Leu957Ser; replaces leucine 957 with serine.
Molecular consequence: missense variant. On other transcripts: intron variant (31).
Genome position (GRCh38, 1-based): chr16:2,077,630, T>C. VCF-style: chr16-2077630-T-C. GRCh37 (hg19) VCF-style: chr16-2127631-T-C.
Other names: c.2870T>C, p.Leu957Ser (NM_001114382.3, NM_001406663.1, NM_001406664.1); c.2759T>C, p.Leu920Ser (NM_001406670.1); c.2723T>C, p.Leu908Ser (NM_001406675.1, NM_001406676.1); c.2270T>C, p.Leu757Ser (NM_001406680.1, NM_001406682.1, NM_001406683.1 and 1 more transcripts); c.1526T>C, p.Leu509Ser (NM_001406689.1); c.1493+1045T>C (NM_001406693.1, NM_001406690.1, NM_001406692.1 and 5 more transcripts); c.2927+1045T>C (NM_001406667.1, NM_001406668.1); c.2237+1045T>C (NM_001406687.1, NM_001406685.1, NM_001318831.2 and 2 more transcripts); and 8 more; short protein forms L920S, L509S, L757S, L908S, L957S.
Identifiers: ClinVar variation 2752856 (VCV002752856.3), dbSNP rs200030367, ClinGen allele CA394280946.
Genomic context (GRCh38, chr16:2,077,630, plus strand): 5'-GCGTTGGGGCTCCTTCCTCACCCGATAGTCTGAGGATAGCCAGACCCCCCAAACAAGGCT[T>C]GAATAACTCTCCACCCGTGAAAGAATTCAAGGAGAGCTCTGCAGCCGAGGCCTTCCGGTG-3'
Protein context (NP_000539.2, residues 947-967): LRIARPPKQG[Leu957Ser]NNSPPVKEFK

ClinVar aggregate classification (germline): Uncertain significance (1 of 4 stars; one submission).

Conditions:
Tuberous sclerosis 2 (TSC2). Identifiers: Orphanet 805, MedGen C1860707, MONDO:0013199, OMIM 613254.

Submission:

Labcorp Genetics (formerly Invitae), Labcorp
Classification: Uncertain significance for Tuberous sclerosis 2. Last evaluated: 2023-08-16. Review status: criteria provided, single submitter. Criteria: Invitae Variant Classification Sherloc (09022015). Collection method: clinical testing. Allele origin: germline.
Comment: In summary, the available evidence is currently insufficient to determine the role of this variant in disease. Therefore, it has been classified as a Variant of Uncertain Significance. Advanced modeling of protein sequence and biophysical properties (such as structural, functional, and spatial information, amino acid conservation, physicochemical variation, residue mobility, and thermodynamic stability) performed at Invitae indicates that this missense variant is not expected to disrupt TSC2 protein function. This variant has not been reported in the literature in individuals affected with TSC2-related conditions. This variant is not present in population databases (gnomAD no frequency). This sequence change replaces leucine, which is neutral and non-polar, with serine, which is neutral and polar, at codon 957 of the TSC2 protein (p.Leu957Ser).